The following is an entry in ClinVar:

NM_012309.5(SHANK2):c.332G>A (p.Arg111His)

Gene: SHANK2 (SH3 and multiple ankyrin repeat domains 2; minus strand). Cytogenetic location: 11q13.4.
Variant type: single nucleotide variant.
Coding change: c.332G>A on transcript NM_012309.5 (MANE Select); coding-DNA position 332, G replaced by A.
Protein change: p.Arg111His; replaces arginine 111 with histidine.
Molecular consequence: missense variant.
Genome position (GRCh38, 1-based): chr11:71,118,908, C>T on the plus strand (G>A on the coding strand, the complement: SHANK2 is on the minus strand). VCF-style: chr11-71118908-C-T. GRCh37 (hg19) VCF-style: chr11-70829954-C-T.
Other names: short protein forms R111H.
Identifiers: ClinVar variation 305923 (VCV000305923.10), dbSNP rs368652424, ClinGen allele CA6162146.

ClinVar aggregate classification (germline): Likely benign. Review status: criteria provided, multiple submitters, no conflicts (2 of 4 stars). 2 submissions from 2 submitters: Likely benign (2). Last evaluated 2026-04-01.

Conditions:
Inborn genetic diseases. Identifiers: MedGen C0950123, MeSH D030342.

Allele frequency attached by ClinVar (database versions not stated): ExAC 0.00005; gnomAD 0.00012 and 0.00014; 1000 Genomes Project 30x 0.00016; gnomAD exomes 0.00016; TOPMed 0.00018; 1000 Genomes Project 0.00020; ESP Exome Variant Server 0.00044.

Submissions (2):

CeGaT Center for Human Genetics Tuebingen
Classification: Likely benign. Last evaluated: 2026-04-01. Review status: criteria provided, single submitter. Criteria: CeGaT Center For Human Genetics Tuebingen Variant Classification Criteria Version 2. Collection method: clinical testing. Allele origin: germline. Affected: yes. Observed: 2 variant alleles.
Comment: SHANK2: BP4

Ambry Genetics
Classification: Likely benign for Inborn genetic diseases. Last evaluated: 2022-06-06. Review status: criteria provided, single submitter. Criteria: Ambry Variant Classification Scheme 2023. Collection method: clinical testing. Allele origin: germline.